The following is an entry in ClinVar:

ClinVar aggregate classification (germline): Uncertain significance. Review status: criteria provided, multiple submitters, no conflicts (2 of 4 stars). 2 submissions from 2 submitters: Uncertain significance (2). Last evaluated 2025-01-06.

Conditions:
Primary dilated cardiomyopathy (DCM). Also called: Dilated Cardiomyopathy. Identifiers: Orphanet 217604, MedGen C0007193, MeSH D002311, MONDO:0005021, HP:0001644. Inheritance: Various modes of inheritance.

gnomAD v4.1: 1 of 1,612,942 alleles (0.000062%); highest among the groups gnomAD compares: Non-Finnish European, 0.000085%; no homozygotes.

Submissions (2):

Ambry Genetics
Classification: Uncertain significance. Last evaluated: 2025-01-06. Review status: criteria provided, single submitter. Criteria: Ambry Variant Classification Scheme 2023. Collection method: clinical testing. Allele origin: germline.
Comment: The p.T170I variant (also known as c.509C>T), located in coding exon 6 of the NEBL gene, results from a C to T substitution at nucleotide position 509. The threonine at codon 170 is replaced by isoleucine, an amino acid with similar properties. This amino acid position is conserved. In addition, this alteration is predicted to be tolerated by in silico analysis. Based on the available evidence, the clinical significance of this variant remains unclear.

Labcorp Genetics (formerly Invitae), Labcorp
Classification: Uncertain significance for Primary dilated cardiomyopathy. Last evaluated: 2022-12-31. Review status: criteria provided, single submitter. Criteria: Invitae Variant Classification Sherloc (09022015). Collection method: clinical testing. Allele origin: germline.
Comment: In summary, the available evidence is currently insufficient to determine the role of this variant in disease. Therefore, it has been classified as a Variant of Uncertain Significance. Algorithms developed to predict the effect of missense changes on protein structure and function (SIFT, PolyPhen-2, Align-GVGD) all suggest that this variant is likely to be tolerated. ClinVar contains an entry for this variant (Variation ID: 581424). This variant has not been reported in the literature in individuals affected with NEBL-related conditions. This variant is not present in population databases (gnomAD no frequency). This sequence change replaces threonine, which is neutral and polar, with isoleucine, which is neutral and non-polar, at codon 170 of the NEBL protein (p.Thr170Ile).

NM_006393.3(NEBL):c.509C>T (p.Thr170Ile)

Gene: NEBL (nebulette; minus strand). Cytogenetic location: 10p12.31.
Variant type: single nucleotide variant.
Coding change: c.509C>T on transcript NM_006393.3 (MANE Select); coding-DNA position 509, C replaced by T.
Protein change: p.Thr170Ile; replaces threonine 170 with isoleucine.
Molecular consequence: missense variant. On other transcripts: intron variant (9).
Genome position (GRCh38, 1-based): chr10:20,869,813, G>A on the plus strand (C>T on the coding strand, the complement: NEBL is on the minus strand). VCF-style: chr10-20869813-G-A. GRCh37 (hg19) VCF-style: chr10-21158742-G-A.
Other names: c.250-56873C>T (NM_001377326.1, NM_001377327.1, NM_001377328.1); c.358-56873C>T (NM_213569.2, NM_001173484.2, NM_001377322.1); c.301-56873C>T (NM_001377324.1); c.292-56873C>T (NM_001377325.1); c.310-56873C>T (NM_001377323.1); short protein forms T170I.
Identifiers: ClinVar variation 581424 (VCV000581424.12), dbSNP rs1564404256, ClinGen allele CA376103636.